The following is an entry in ClinVar:

NM_004341.5(CAD):c.5446G>C (p.Ala1816Pro)

Gene: CAD (carbamoyl-phosphate synthetase 2, aspartate transcarbamylase, and dihydroorotase; plus strand). Cytogenetic location: 2p23.3.
Variant type: single nucleotide variant.
Coding change: c.5446G>C on transcript NM_004341.5 (MANE Select); coding-DNA position 5446, G replaced by C.
Protein change: p.Ala1816Pro; replaces alanine 1816 with proline.
Molecular consequence: missense variant.
Genome position (GRCh38, 1-based): chr2:27,239,748, G>C. VCF-style: chr2-27239748-G-C. GRCh37 (hg19) VCF-style: chr2-27462616-G-C.
Other names: c.5257G>C, p.Ala1753Pro (NM_001306079.2); short protein forms A1753P, A1816P.
Identifiers: ClinVar variation 1968802 (VCV001968802.2), dbSNP rs761961745, ClinGen allele CA346222866.
Genomic context (GRCh38, chr2:27,239,748, plus strand): 5'-TGCCTGCAGGTTCTGGTACCCCCGGGCTATGGACAGGATGTACGGAAGTGGCCACAGGGG[G>C]CTGTTCCTCAGCTCCCACCCTCAGCCCCTGCCACTAGTGAGATGACCACGGTATCCACAC-3'
Protein context (NP_004332.2, residues 1806-1826): GQDVRKWPQG[Ala1816Pro]VPQLPPSAPA

ClinVar aggregate classification (germline): Uncertain significance (1 of 4 stars; one submission).

gnomAD v4.1: 3 of 1,591,938 alleles (0.00019%); highest among the groups gnomAD compares: Admixed American, 0.0053%; no homozygotes.

Submission:

Labcorp Genetics (formerly Invitae), Labcorp
Classification: Uncertain significance. Last evaluated: 2022-03-12. Review status: criteria provided, single submitter. Criteria: Invitae Variant Classification Sherloc (09022015). Collection method: clinical testing. Allele origin: germline.
Comment: This sequence change replaces alanine, which is neutral and non-polar, with proline, which is neutral and non-polar, at codon 1816 of the CAD protein (p.Ala1816Pro). This variant is present in population databases (no rsID available, gnomAD 0.003%). This variant has not been reported in the literature in individuals affected with CAD-related conditions. Algorithms developed to predict the effect of missense changes on protein structure and function output the following: SIFT: "Tolerated"; PolyPhen-2: "Benign"; Align-GVGD: "Class C0". The proline amino acid residue is found in multiple mammalian species, which suggests that this missense change does not adversely affect protein function. In summary, the available evidence is currently insufficient to determine the role of this variant in disease. Therefore, it has been classified as a Variant of Uncertain Significance.